The following is an entry in ClinVar:

ClinVar aggregate classification (germline): Benign. Review status: criteria provided, multiple submitters, no conflicts (2 of 4 stars). 3 submissions from 3 submitters: Benign (3). Last evaluated 2026-01-27.

Conditions:
Intestinal hypomagnesemia 1. Also called: HYPOMAGNESEMIA, INTESTINAL, WITH SECONDARY HYPOCALCEMIA; HYPOMAGNESEMIC TETANY. Identifiers: Orphanet 30924, MedGen C1865974, MONDO:0011176, OMIM 602014.

Allele frequency attached by ClinVar (database versions not stated): 1000 Genomes Project 0.01238; gnomAD 0.01282 and 0.01376; 1000 Genomes Project 30x 0.01405; ESP Exome Variant Server 0.01453; TOPMed 0.01472.
gnomAD v4.1: 4,244 of 1,613,762 alleles (0.26%); highest among the groups gnomAD compares: African/African-American, 4.3%; 64 homozygotes.

Submissions (3):

Labcorp Genetics (formerly Invitae), Labcorp
Classification: Benign. Last evaluated: 2026-01-27. Review status: criteria provided, single submitter. Criteria: Invitae Variant Classification Sherloc (09022015). Collection method: clinical testing. Allele origin: germline.

Illumina Laboratory Services, Illumina
Classification: Benign for Intestinal hypomagnesemia 1. Last evaluated: 2018-01-13. Review status: criteria provided, single submitter. Criteria: ICSL Variant Classification Criteria 13 December 2019. Collection method: clinical testing. Allele origin: germline.
Comment: This variant was observed in the ICSL laboratory as part of a predisposition screen in an ostensibly healthy population. It had not been previously curated by ICSL or reported in the Human Gene Mutation Database (HGMD: prior to June 1st, 2018), and was therefore a candidate for classification through an automated scoring system. Utilizing variant allele frequency, disease prevalence and penetrance estimates, and inheritance mode, an automated score was calculated to assess if this variant is too frequent to cause the disease. Based on the score and internal cut-off values, a variant classified as benign is not then subjected to further curation. The score for this variant resulted in a classification of benign for this disease.

Breakthrough Genomics
Classification: Benign. Review status: criteria provided, single submitter. Criteria: ACMG Guidelines, 2015. Collection method: not provided. Allele origin: germline. Inheritance: Autosomal recessive inheritance. Affected: yes.

NM_017662.5(TRPM6):c.3514C>A (p.Arg1172=)

Gene: TRPM6 (transient receptor potential cation channel subfamily M member 6; minus strand). Cytogenetic location: 9q21.13.
Variant type: single nucleotide variant.
Coding change: c.3514C>A on transcript NM_017662.5 (MANE Select); coding-DNA position 3514, C replaced by A.
Protein change: p.Arg1172=; no amino-acid change (arginine 1172 retained).
Molecular consequence: synonymous variant.
Genome position (GRCh38, 1-based): chr9:74,771,725, G>T on the plus strand (C>A on the coding strand, the complement: TRPM6 is on the minus strand). VCF-style: chr9-74771725-G-T. GRCh37 (hg19) VCF-style: chr9-77386641-G-T.
Other names: c.3499C>A, p.Arg1167= (NM_001177310.2, NM_001177311.2).
Identifiers: ClinVar variation 367309 (VCV000367309.15), dbSNP rs35904059, ClinGen allele CA5084260.